The following is an entry in ClinVar:

NM_000277.3(PAH):c.735_737delinsAG (p.Ala246fs)

Gene: PAH (phenylalanine hydroxylase; minus strand). Cytogenetic location: 12q23.2.
Variant type: Indel.
Coding change: c.735_737delinsAG on transcript NM_000277.3 (MANE Select); coding-DNA positions 735 to 737, GGC replaced by AG.
Protein change: p.Ala246fs; shifts the reading frame from alanine 246.
Molecular consequence: frameshift variant.
Genome position (GRCh38, 1-based): chr12:102,852,920-102,852,922, GCC replaced by CT on the plus strand (GGC replaced by AG on the coding strand, the reverse complement: PAH is on the minus strand). VCF-style: chr12-102852920-GCC-CT. GRCh37 (hg19) VCF-style: chr12-103246698-GCC-CT.
Other names: p.Ala246Valfs*95; c.735_737delinsAG, p.Ala246fs (NM_001354304.2); short protein forms A246fs.
Identifiers: ClinVar variation 3381092 (VCV003381092.1).

ClinVar aggregate classification (germline): Likely pathogenic (1 of 4 stars; one submission).

Submission:

Mayo Clinic Laboratories, Mayo Clinic
Classification: Likely pathogenic. Last evaluated: 2022-03-23. Review status: criteria provided, single submitter. Criteria: ACMG Guidelines, 2015. Collection method: clinical testing. Allele origin: germline. Observed: 1 variant allele.
Comment: PM2_moderate, PVS1